The following is an entry in ClinVar:

NM_000531.6(OTC):c.92T>G (p.Leu31Arg)

Gene: OTC (ornithine transcarbamylase; plus strand). Cytogenetic location: Xp11.4.
Variant type: single nucleotide variant.
Coding change: c.92T>G on transcript NM_000531.6 (MANE Select); coding-DNA position 92, T replaced by G.
Protein change: p.Leu31Arg; replaces leucine 31 with arginine.
Molecular consequence: missense variant.
Genome position (GRCh38, 1-based): chrX:38,367,305, T>G. VCF-style: chrX-38367305-T-G. GRCh37 (hg19) VCF-style: chrX-38226558-T-G.
Other names: c.92T>G, p.Leu31Arg (NM_001407092.1); short protein forms L31R.
Identifiers: ClinVar variation 4702657 (VCV004702657.1).

ClinVar aggregate classification (germline): Uncertain significance (1 of 4 stars; one submission).

Conditions:
Ornithine carbamoyltransferase deficiency (OTCD). Also called: OTC DEFICIENCY; ORNITHINE TRANSCARBAMYLASE DEFICIENCY; Ornithine Carbamoyltransferase Deficiency Disease; ORNITHINE TRANSCARBAMYLASE DEFICIENCY, HYPERAMMONEMIA DUE TO. Identifiers: Orphanet 664, MedGen C0268542, MONDO:0010703, OMIM 311250.

Submission:

Labcorp Genetics (formerly Invitae), Labcorp
Classification: Uncertain significance for Ornithine carbamoyltransferase deficiency. Last evaluated: 2025-07-27. Review status: criteria provided, single submitter. Criteria: Invitae Variant Classification Sherloc (09022015). Collection method: clinical testing. Allele origin: germline.
Comment: This sequence change replaces leucine, which is neutral and non-polar, with arginine, which is basic and polar, at codon 31 of the OTC protein (p.Leu31Arg). This variant is not present in population databases (gnomAD no frequency). This variant has not been reported in the literature in individuals affected with OTC-related conditions. Invitae Evidence Modeling of protein sequence and biophysical properties (such as structural, functional, and spatial information, amino acid conservation, physicochemical variation, residue mobility, and thermodynamic stability) indicates that this missense variant is not expected to disrupt OTC protein function with a negative predictive value of 95%. In summary, the available evidence is currently insufficient to determine the role of this variant in disease. Therefore, it has been classified as a Variant of Uncertain Significance.